The following is an entry in ClinVar:

NM_000702.4(ATP1A2):c.1529G>A (p.Arg510His)

Gene: ATP1A2 (ATPase Na+/K+ transporting subunit alpha 2; plus strand). Cytogenetic location: 1q23.2.
Variant type: single nucleotide variant.
Coding change: c.1529G>A on transcript NM_000702.4 (MANE Select); coding-DNA position 1529, G replaced by A.
Protein change: p.Arg510His; replaces arginine 510 with histidine.
Molecular consequence: missense variant.
Genome position (GRCh38, 1-based): chr1:160,130,169, G>A. VCF-style: chr1-160130169-G-A. GRCh37 (hg19) VCF-style: chr1-160099959-G-A.
Other names: short protein forms R510H.
Identifiers: ClinVar variation 204890 (VCV000204890.9), dbSNP rs755353911, ClinGen allele CA313289.
Genomic context (GRCh38, chr1:160,130,169, plus strand): 5'-TCCACGAGCGAGAAGACAGCCCCCAGAGCCACGTGCTGGTGATGAAGGGGGCCCCAGAGC[G>A]CATTCTGGACCGGTGCTCCACCATCCTGGTGCAGGGCAAGGAGATCCCGCTCGACAAGGA-3'
Protein context (NP_000693.1, residues 500-520): HVLVMKGAPE[Arg510His]ILDRCSTILV

ClinVar aggregate classification (germline): Uncertain significance (1 of 4 stars; one submission).

Conditions:
Familial hemiplegic migraine. Identifiers: MedGen C0338484, MONDO:0000700.

Allele frequency attached by ClinVar (database versions not stated): TOPMed 0.00002; ExAC 0.00003; gnomAD exomes 0.00004.
gnomAD v4.1: 58 of 1,614,196 alleles (0.0036%); highest among the groups gnomAD compares: Non-Finnish European, 0.0045%; no homozygotes.

Submission:

Labcorp Genetics (formerly Invitae), Labcorp
Classification: Uncertain significance for Familial hemiplegic migraine. Last evaluated: 2023-04-24. Review status: criteria provided, single submitter. Criteria: Invitae Variant Classification Sherloc (09022015). Collection method: clinical testing. Allele origin: germline.
Comment: In summary, the available evidence is currently insufficient to determine the role of this variant in disease. Therefore, it has been classified as a Variant of Uncertain Significance. Advanced modeling of protein sequence and biophysical properties (such as structural, functional, and spatial information, amino acid conservation, physicochemical variation, residue mobility, and thermodynamic stability) performed at Invitae indicates that this missense variant is expected to disrupt ATP1A2 protein function. ClinVar contains an entry for this variant (Variation ID: 204890). This variant has not been reported in the literature in individuals affected with ATP1A2-related conditions. This variant is present in population databases (rs755353911, gnomAD 0.01%). This sequence change replaces arginine, which is basic and polar, with histidine, which is basic and polar, at codon 510 of the ATP1A2 protein (p.Arg510His).